The following is an entry in ClinVar:

NM_001033855.3(DCLRE1C):c.1060A>C (p.Ile354Leu)

Gene: DCLRE1C (DNA cross-link repair 1C; minus strand). Cytogenetic location: 10p13.
Variant type: single nucleotide variant.
Coding change: c.1060A>C on transcript NM_001033855.3 (MANE Select); coding-DNA position 1060, A replaced by C.
Protein change: p.Ile354Leu; replaces isoleucine 354 with leucine.
Molecular consequence: missense variant. On other transcripts: non-coding transcript variant (4).
Genome position (GRCh38, 1-based): chr10:14,922,982, T>G on the plus strand (A>C on the coding strand, the complement: DCLRE1C is on the minus strand). VCF-style: chr10-14922982-T-G. GRCh37 (hg19) VCF-style: chr10-14964981-T-G.
Other names: c.700A>C, p.Ile234Leu (NM_001033857.3, NM_001033858.3, NM_001289077.2 and 2 more transcripts); c.715A>C, p.Ile239Leu (NM_001289076.2, NM_001289078.2, NM_001350966.2 and 1 more transcripts); c.1060A>C, p.Ile354Leu (NM_001350965.2); short protein forms I234L, I354L, I239L.
Identifiers: ClinVar variation 1499066 (VCV001499066.3), dbSNP rs556578962, ClinGen allele CA5416571.

ClinVar aggregate classification (germline): Uncertain significance (1 of 4 stars; one submission).

Conditions:
Severe combined immunodeficiency due to DCLRE1C deficiency (RS-SCID). Also called: SCID, AUTOSOMAL RECESSIVE, T CELL-NEGATIVE, B CELL-NEGATIVE, NK CELL-POSITIVE, WITH SENSITIVITY TO IONIZING RADIATION. Identifiers: Orphanet 275, MedGen C1865371, MONDO:0011225, OMIM 602450.

Allele frequency attached by ClinVar (database versions not stated): gnomAD 0.00001; 1000 Genomes Project 0.00020; ExAC 0.00001; 1000 Genomes Project 30x 0.00031; gnomAD exomes 0.00001.

Submission:

Labcorp Genetics (formerly Invitae), Labcorp
Classification: Uncertain significance for Athabaskan severe combined immunodeficiency. Last evaluated: 2021-10-27. Review status: criteria provided, single submitter. Criteria: Invitae Variant Classification Sherloc (09022015). Collection method: clinical testing. Allele origin: germline.
Comment: This sequence change replaces isoleucine, a(n) neutral and non-polar amino acid, with leucine, a(n) neutral and non-polar amino acid, at codon 354 of the DCLRE1C protein (p.Ile354Leu). This variant is present in population databases (rs556578962, gnomAD 0.006%). This variant has not been reported in the literature in individuals affected with DCLRE1C-related conditions. Algorithms developed to predict the effect of missense changes on protein structure and function (SIFT, PolyPhen-2, Align-GVGD) all suggest that this variant is likely to be tolerated. In summary, the available evidence is currently insufficient to determine the role of this variant in disease. Therefore, it has been classified as a Variant of Uncertain Significance.